The following is an entry in ClinVar:

ClinVar aggregate classification (germline): Pathogenic (1 of 4 stars; one submission).

Conditions:
Retinitis pigmentosa 73 (RP73). Identifiers: Orphanet 791, MedGen C4225287, MONDO:0014687, OMIM 616544.
Mucopolysaccharidosis, MPS-III-C (MPS3C). Also called: SANFILIPPO SYNDROME C; MPS III C; Mucopolysaccharidosis type IIIC (Sanfilippo C); MUCOPOLYSACCHARIDOSIS, TYPE IIIC; mucopolysaccharidosis type 3C; MPS IIIC (Sanfilippo Syndrome Type C). Identifiers: Orphanet 581, Orphanet 79271, MedGen C0086649, MONDO:0009657, OMIM 252930.

Submission:

Labcorp Genetics (formerly Invitae), Labcorp
Classification: Pathogenic for Retinitis pigmentosa 73; Mucopolysaccharidosis, MPS-III-C. Last evaluated: 2023-10-24. Review status: criteria provided, single submitter. Criteria: Invitae Variant Classification Sherloc (09022015). Collection method: clinical testing. Allele origin: germline.
Comment: This sequence change affects an acceptor splice site in intron 9 of the HGSNAT gene. It is expected to disrupt RNA splicing. Variants that disrupt the donor or acceptor splice site typically lead to a loss of protein function (PMID: 16199547), and loss-of-function variants in HGSNAT are known to be pathogenic (PMID: 17033958, 19479962). This variant is not present in population databases (gnomAD no frequency). Disruption of this splice site has been observed in individual(s) with mucopolysaccharidosis type IIIC (MPS IIIC) (PMID: 17397050, 31964843). Algorithms developed to predict the effect of sequence changes on RNA splicing suggest that this variant may disrupt the consensus splice site. For these reasons, this variant has been classified as Pathogenic.

Literature cited by the submitters: PubMed 16199547; PubMed 17033958; PubMed 19479962; PubMed 17397050; PubMed 31964843.

NM_152419.3(HGSNAT):c.852-2A>G

Gene: HGSNAT (heparan-alpha-glucosaminide N-acetyltransferase; plus strand). Cytogenetic location: 8p11.21.
Variant type: single nucleotide variant.
Coding change: c.852-2A>G on transcript NM_152419.3 (MANE Select); the canonical splice acceptor site of the intron before coding-DNA position 852, A replaced by G.
Molecular consequence: splice acceptor variant. On other transcripts: intron variant (1).
Genome position (GRCh38, 1-based): chr8:43,178,072, A>G. VCF-style: chr8-43178072-A-G. GRCh37 (hg19) VCF-style: chr8-43033215-A-G.
Other names: c.852-2A>G (NM_001363227.2); c.-13-2A>G (NM_001363229.2); c.821-4073A>G (NM_001363228.2).
Identifiers: ClinVar variation 2953254 (VCV002953254.3), dbSNP rs755710040, ClinGen allele CA371116833.
Genomic context (GRCh38, chr8:43,178,072, plus strand): 5'-TTACTGATATATAGACAAAAAATTTGGAAATGGCCACCTATTAATAACTAGATTCTTTTT[A>G]GGTTTGTATTTATTATGGGATCTTCCATTTTTCTATCGATGACTTCTATACTGCAACGGG-3'